The following is an entry in ClinVar:

ClinVar aggregate classification (germline): Conflicting classifications of pathogenicity. Review status: criteria provided, conflicting classifications (1 of 4 stars). 7 submissions from 7 submitters: Uncertain significance (2); Likely benign (3). 2 of the submissions do not count toward it. Last evaluated 2025-11-15.

Conditions:
Cardiovascular phenotype. Identifiers: MedGen CN230736.
GAA-related disorder. Also called: GAA-related condition.
Glycogen storage disease, type II (IOPD). Also called: Glucosidase acid-1,4-alpha deficiency; Pompe Disease; POMPE DISEASE, INFANTILE-ONSET; GLYCOGEN STORAGE DISEASE II, INFANTILE-ONSET; ACID ALPHA-GLUCOSIDASE DEFICIENCY, INFANTILE-ONSET; GAA DEFICIENCY, INFANTILE-ONSET. Identifiers: Orphanet 365, MedGen C0017921, MONDO:0009290, OMIM 232300.

Allele frequency attached by ClinVar (database versions not stated): ExAC 0.00003; gnomAD exomes 0.00003; ESP Exome Variant Server 0.00008; gnomAD 0.00008 and 0.00009; TOPMed 0.00010.
gnomAD v4.1: 29 of 1,612,920 alleles (0.0018%); highest among the groups gnomAD compares: African/African-American, 0.011%; no homozygotes.

Submissions (7):

Labcorp Genetics (formerly Invitae), Labcorp
Classification: Likely benign for Glycogen storage disease, type II. Last evaluated: 2025-11-15. Review status: criteria provided, single submitter. Criteria: Invitae Variant Classification Sherloc (09022015). Collection method: clinical testing. Allele origin: germline.

Ambry Genetics
Classification: Likely benign for Cardiovascular phenotype. Last evaluated: 2022-04-19. Review status: criteria provided, single submitter. Criteria: Ambry Variant Classification Scheme 2023. Collection method: clinical testing. Allele origin: germline.

Genome-Nilou Lab
Classification: Uncertain significance for Glycogen storage disease, type II. Last evaluated: 2021-07-22. Review status: criteria provided, single submitter. Criteria: ACMG Guidelines, 2015. Collection method: clinical testing. Allele origin: germline. Affected: no.

Broad Center for Mendelian Genomics, Broad Institute of MIT and Harvard
Classification: Likely benign for Glycogen storage disease, type II. Last evaluated: 2020-01-22. Review status: criteria provided, single submitter. Criteria: ACMG Guidelines, 2015. Collection method: curation. Allele origin: germline. Inheritance: Autosomal recessive inheritance.
Comment: The c.711G>A (p.Ala237=) variant in GAA has not been previously reported in individuals with Glycogen Storage Disease II but has been reported as a VUS by EGL Genetic Diagnostics and a likely benign variant by Invitae in ClinVar (Variation ID: 456432). This variant has been identified in 0.012% (3/24910) of African chromosomes by the Genome Aggregation Database (gnomAD; dbSNP rs368328598). Although this variant has been seen in the general population, its frequency is low enough to be consistent with a recessive carrier frequency. Computational splice prediction tools and conservation analyses suggest that this variant may not impact the protein, though this information is not predictive enough to rule out pathogenicity. However, novel synonymous variants supported by computational evidence without raised suspicion for an impact are likely benign (Richards 2015). In summary, although additional studies are required to fully establish its clinical significance, this variant is likely benign. ACMG/AMP Criteria applied: PM2, BP7, BP4 (Richards 2015).

Eurofins Ntd Llc (ga)
Classification: Uncertain significance. Last evaluated: 2017-04-25. Review status: criteria provided, single submitter. Criteria: EGL Classification Definitions 2015. Collection method: clinical testing. Allele origin: germline. Observed: 1 variant allele, 1 heterozygote.

PreventionGenetics, part of Exact Sciences
Classification: Likely benign for GAA-related condition. Last evaluated: 2020-09-29. Review status: no assertion criteria provided. Collection method: clinical testing. Allele origin: germline. Not counted in ClinVar's aggregate classification.
Comment: This variant is classified as likely benign based on ACMG/AMP sequence variant interpretation guidelines (Richards et al. 2015 PMID: 25741868, with internal and published modifications).

Natera, Inc.
Classification: Uncertain significance for Glycogen storage disease type II. Last evaluated: 2020-01-24. Review status: no assertion criteria provided. Collection method: clinical testing. Allele origin: germline. Not counted in ClinVar's aggregate classification.

NM_000152.5(GAA):c.711G>A (p.Ala237=)

Gene: GAA (alpha glucosidase; plus strand). Cytogenetic location: 17q25.3.
Variant type: single nucleotide variant.
Coding change: c.711G>A on transcript NM_000152.5 (MANE Select); coding-DNA position 711, G replaced by A.
Protein change: p.Ala237=; no amino-acid change (alanine 237 retained).
Molecular consequence: synonymous variant.
Genome position (GRCh38, 1-based): chr17:80,107,575, G>A. VCF-style: chr17-80107575-G-A. GRCh37 (hg19) VCF-style: chr17-78081374-G-A.
Other names: c.711G>A (LRG_673t1, NM_000152.4); c.711G>A, p.Ala237= (NM_001079803.3, NM_001079804.3).
Identifiers: ClinVar variation 456432 (VCV000456432.26), dbSNP rs368328598, ClinGen allele CA8815000.
Genomic context (GRCh38, chr17:80,107,575, plus strand): 5'-CCCCTTGGGTGTGAGCAAGCCTGGCTGGCCTCTGTCCCGCAGGCTGAACACGACGGTGGC[G>A]CCCCTGTTCTTTGCGGACCAGTTCCTTCAGCTGTCCACCTCGCTGCCCTCGCAGTATATC-3'
Protein context (NP_000143.2, residues 227-247): DGRVLLNTTV[Ala237=]PLFFADQFLQ